The following is an entry in ClinVar:

ClinVar aggregate classification (germline): Uncertain significance (1 of 4 stars; one submission).

Conditions:
Galactosylceramide beta-galactosidase deficiency. Also called: Leukodystrophy, Globoid Cell; Krabbe Disease; GALACTOCEREBROSIDASE DEFICIENCY; GALC DEFICIENCY; GLOBOID CELL LEUKOENCEPHALOPATHY. Identifiers: Orphanet 487, MedGen C0023521, MONDO:0009499, OMIM 245200.

Allele frequency attached by ClinVar (database versions not stated): gnomAD exomes below 0.00001.
gnomAD v4.1: 3 of 1,580,138 alleles (0.00019%); highest among the groups gnomAD compares: Non-Finnish European, 0.00026%; no homozygotes.

Submission:

Labcorp Genetics (formerly Invitae), Labcorp
Classification: Uncertain significance for Galactosylceramide beta-galactosidase deficiency. Last evaluated: 2022-04-23. Review status: criteria provided, single submitter. Criteria: Invitae Variant Classification Sherloc (09022015). Collection method: clinical testing. Allele origin: germline.
Comment: This sequence change replaces alanine, which is neutral and non-polar, with valine, which is neutral and non-polar, at codon 28 of the GALC protein (p.Ala28Val). This variant is present in population databases (no rsID available, gnomAD 0.001%). This variant has not been reported in the literature in individuals affected with GALC-related conditions. Advanced modeling of protein sequence and biophysical properties (such as structural, functional, and spatial information, amino acid conservation, physicochemical variation, residue mobility, and thermodynamic stability) performed at Invitae indicates that this missense variant is not expected to disrupt GALC protein function. In summary, the available evidence is currently insufficient to determine the role of this variant in disease. Therefore, it has been classified as a Variant of Uncertain Significance.

NM_000153.4(GALC):c.83C>T (p.Ala28Val)

Gene: GALC (galactosylceramidase; minus strand). Cytogenetic location: 14q31.3.
Variant type: single nucleotide variant.
Coding change: c.83C>T on transcript NM_000153.4 (MANE Select); coding-DNA position 83, C replaced by T.
Protein change: p.Ala28Val; replaces alanine 28 with valine.
Molecular consequence: missense variant. On other transcripts: intron variant (1).
Genome position (GRCh38, 1-based): chr14:87,993,082, G>A on the plus strand (C>T on the coding strand, the complement: GALC is on the minus strand). VCF-style: chr14-87993082-G-A. GRCh37 (hg19) VCF-style: chr14-88459426-G-A.
Other names: c.83C>T, p.Ala28Val (NM_001201401.2); c.117+301C>T (NM_001201402.2); short protein forms A28V.
Identifiers: ClinVar variation 2129587 (VCV002129587.4), dbSNP rs1284765288, ClinGen allele CA390771909.